The following is an entry in ClinVar:

NM_001130144.3(LTBP3):c.2945A>T (p.Asn982Ile)

Genes: LTBP3 (latent transforming growth factor beta binding protein 3; minus strand), LOC121832793 (Sharpr-MPRA regulatory region 4001; plus strand). Cytogenetic location: 11q13.1.
Variant type: single nucleotide variant.
Coding change: c.2945A>T on transcript NM_001130144.3 (MANE Select); coding-DNA position 2945, A replaced by T.
Protein change: p.Asn982Ile; replaces asparagine 982 with isoleucine.
Molecular consequence: missense variant.
Genome position (GRCh38, 1-based): chr11:65,540,903, T>A on the plus strand (A>T on the coding strand, the complement: LTBP3 is on the minus strand). VCF-style: chr11-65540903-T-A. GRCh37 (hg19) VCF-style: chr11-65308374-T-A.
Other names: c.2594A>T, p.Asn865Ile (NM_001164266.1); c.2945A>T, p.Asn982Ile (NM_021070.4); short protein forms N982I, N865I.
Identifiers: ClinVar variation 4049871 (VCV004049871.1).

ClinVar aggregate classification (germline): Uncertain significance (1 of 4 stars; one submission).

Conditions:
Inborn genetic diseases. Identifiers: MedGen C0950123, MeSH D030342.

gnomAD v4.1: 1 of 1,613,264 alleles (0.000062%); highest among the groups gnomAD compares: Admixed American, 0.0017%; no homozygotes.

Submission:

Ambry Genetics
Classification: Uncertain significance for Inborn genetic diseases. Last evaluated: 2025-04-24. Review status: criteria provided, single submitter. Criteria: Ambry Variant Classification Scheme 2023. Collection method: clinical testing. Allele origin: germline.
Comment: The p.N982I variant (also known as c.2945A>T), located in coding exon 21 of the LTBP3 gene, results from an A to T substitution at nucleotide position 2945. The asparagine at codon 982 is replaced by isoleucine, an amino acid with dissimilar properties. This amino acid position is conserved. In addition, the in silico prediction for this alteration is inconclusive. Based on the available evidence, the clinical significance of this variant remains unclear.